The following is an entry in ClinVar:

NM_001171613.2(PREPL):c.562G>A (p.Val188Met)

Gene: PREPL (prolyl endopeptidase like; minus strand). Cytogenetic location: 2p21.
Variant type: single nucleotide variant.
Coding change: c.562G>A on transcript NM_001171613.2 (MANE Select); coding-DNA position 562, G replaced by A.
Protein change: p.Val188Met; replaces valine 188 with methionine.
Molecular consequence: missense variant.
Genome position (GRCh38, 1-based): chr2:44,339,287, C>T on the plus strand (G>A on the coding strand, the complement: PREPL is on the minus strand). VCF-style: chr2-44339287-C-T. GRCh37 (hg19) VCF-style: chr2-44566426-C-T.
Other names: c.829G>A, p.Val277Met (NM_001171603.1, NM_001171606.2, NM_001374275.1 and 4 more transcripts); c.562G>A, p.Val188Met (NM_001171617.1, NM_001374277.1); short protein forms V277M, V188M.
Identifiers: ClinVar variation 566429 (VCV000566429.10), dbSNP rs150341120, ClinGen allele CA1641419.

ClinVar aggregate classification (germline): Uncertain significance. Review status: criteria provided, multiple submitters, no conflicts (2 of 4 stars). 3 submissions from 3 submitters: Uncertain significance (3). Last evaluated 2025-03-03.

Conditions:
Inborn genetic diseases. Identifiers: MedGen C0950123, MeSH D030342.
Myasthenic syndrome, congenital, 22 (CMS22). Also called: PREPL DEFICIENCY. Identifiers: MedGen C4479088, MONDO:0044299, OMIM 616224.

Allele frequency attached by ClinVar (database versions not stated): ExAC 0.00012; 1000 Genomes Project 30x 0.00016; gnomAD exomes 0.00017 and 0.00038; 1000 Genomes Project 0.00020; TOPMed 0.00027; gnomAD 0.00029 and 0.00031; ESP Exome Variant Server 0.00038.
gnomAD v4.1: 593 of 1,614,078 alleles (0.037%); highest among the groups gnomAD compares: Non-Finnish European, 0.048%; 1 homozygote.

Submissions (3):

Ambry Genetics
Classification: Uncertain significance for Inborn genetic diseases. Last evaluated: 2025-03-03. Review status: criteria provided, single submitter. Criteria: Ambry Variant Classification Scheme 2023. Collection method: clinical testing. Allele origin: germline.

Labcorp Genetics (formerly Invitae), Labcorp
Classification: Uncertain significance for Myasthenic syndrome, congenital, 22. Last evaluated: 2022-09-07. Review status: criteria provided, single submitter. Criteria: Invitae Variant Classification Sherloc (09022015). Collection method: clinical testing. Allele origin: germline.
Comment: This sequence change replaces valine, which is neutral and non-polar, with methionine, which is neutral and non-polar, at codon 277 of the PREPL protein (p.Val277Met). This variant is present in population databases (rs150341120, gnomAD 0.04%). This variant has not been reported in the literature in individuals affected with PREPL-related conditions. ClinVar contains an entry for this variant (Variation ID: 566429). Algorithms developed to predict the effect of missense changes on protein structure and function are either unavailable or do not agree on the potential impact of this missense change (SIFT: "Deleterious"; PolyPhen-2: "Probably Damaging"; Align-GVGD: "Class C0"). In summary, the available evidence is currently insufficient to determine the role of this variant in disease. Therefore, it has been classified as a Variant of Uncertain Significance.

Department of Pathology and Laboratory Medicine, Sinai Health System
Classification: Uncertain significance for Myasthenic syndrome, congenital, 22. Last evaluated: 2022-01-17. Review status: criteria provided, single submitter. Criteria: ACMG Guidelines, 2015. Collection method: research. Allele origin: germline.